The following is an entry in ClinVar:

NM_012213.3(MLYCD):c.843C>G (p.Asn281Lys)

Genes: MLYCD (malonyl-CoA decarboxylase; plus strand), LOC126862422 (CDK7 strongly-dependent group 2 enhancer GRCh37_chr16:83945234-83946433; plus strand). Cytogenetic location: 16q23.3.
Variant type: single nucleotide variant.
Coding change: c.843C>G on transcript NM_012213.3 (MANE Select); coding-DNA position 843, C replaced by G.
Protein change: p.Asn281Lys; replaces asparagine 281 with lysine.
Molecular consequence: missense variant.
Genome position (GRCh38, 1-based): chr16:83,912,262, C>G. VCF-style: chr16-83912262-C-G. GRCh37 (hg19) VCF-style: chr16-83945867-C-G.
Other names: short protein forms N281K.
Identifiers: ClinVar variation 2420917 (VCV002420917.7), dbSNP rs1370493339, ClinGen allele CA396919212.

ClinVar aggregate classification (germline): Uncertain significance (1 of 4 stars; one submission).

Conditions:
Deficiency of malonyl-CoA decarboxylase. Also called: Malonic aciduria; MCD deficiency. Identifiers: Orphanet 943, MedGen C0342793, MONDO:0009556, OMIM 248360.

Allele frequency attached by ClinVar (database versions not stated): TOPMed 0.00002; gnomAD 0.00003; gnomAD exomes 0.00003.
gnomAD v4.1: 51 of 1,614,072 alleles (0.0032%); highest among the groups gnomAD compares: Non-Finnish European, 0.0042%; no homozygotes.

Submission:

Labcorp Genetics (formerly Invitae), Labcorp
Classification: Uncertain significance for Deficiency of malonyl-CoA decarboxylase. Last evaluated: 2023-12-06. Review status: criteria provided, single submitter. Criteria: Invitae Variant Classification Sherloc (09022015). Collection method: clinical testing. Allele origin: germline.
Comment: This sequence change replaces asparagine, which is neutral and polar, with lysine, which is basic and polar, at codon 281 of the MLYCD protein (p.Asn281Lys). This variant is present in population databases (no rsID available, gnomAD 0.01%). This variant has not been reported in the literature in individuals affected with MLYCD-related conditions. ClinVar contains an entry for this variant (Variation ID: 2420917). An algorithm developed to predict the effect of missense changes on protein structure and function (PolyPhen-2) suggests that this variant is likely to be tolerated. In summary, the available evidence is currently insufficient to determine the role of this variant in disease. Therefore, it has been classified as a Variant of Uncertain Significance.